The following is an entry in ClinVar:

ClinVar aggregate classification (germline): Conflicting classifications of pathogenicity. Review status: criteria provided, conflicting classifications (1 of 4 stars). 7 submissions from 7 submitters: Uncertain significance (1); Likely benign (5). 1 of the submissions does not count toward it. Last evaluated 2025-12-24.

Conditions:
Marfan syndrome (MFS). Also called: MARFAN SYNDROME, TYPE I; FBN1-Related Marfan Syndrome; Marfan syndrome, classic; Marfan syndrome type 1; Marfan's syndrome. Identifiers: Orphanet 284963, Orphanet 558, MedGen C0024796, MONDO:0007947, OMIM 154700.
Familial thoracic aortic aneurysm and aortic dissection (TAAD). Also called: Thoracic aortic aneurysms and dissections. Identifiers: Orphanet 91387, MedGen C4707243, MONDO:0019625.
FBN1-related disorder. Also called: FBN1-related disorders.

Allele frequency attached by ClinVar (database versions not stated): gnomAD exomes below 0.00001 and 0.00001; gnomAD 0.00002; TOPMed 0.00002.
gnomAD v4.1: 20 of 1,613,974 alleles (0.0012%); highest among the groups gnomAD compares: Non-Finnish European, 0.0017%; no homozygotes.

Submissions (7):

Labcorp Genetics (formerly Invitae), Labcorp
Classification: Likely benign for Marfan syndrome; Familial thoracic aortic aneurysm and aortic dissection. Last evaluated: 2025-12-24. Review status: criteria provided, single submitter. Criteria: Invitae Variant Classification Sherloc (09022015). Collection method: clinical testing. Allele origin: germline.

All of Us Research Program, National Institutes of Health
Classification: Likely benign for Marfan syndrome. Last evaluated: 2023-09-17. Review status: criteria provided, single submitter. Criteria: ACMG Guidelines, 2015. Collection method: clinical testing. Allele origin: germline. Inheritance: Autosomal dominant inheritance. Observed: 2 variant alleles, 2 heterozygotes.
Comment: This study involves interpretation of variants in research participants for the purpose of population health screening. Participant phenotype was not available at the time of variant classification. Additional details can be found in publication PMID: 35346344, PMCID: PMC8962531

Blueprint Genetics
Classification: Likely benign. Last evaluated: 2023-09-12. Review status: criteria provided, single submitter. Criteria: ACMG Guidelines, 2015. Collection method: clinical testing. Allele origin: germline.

CHEO Genetics Diagnostic Laboratory, Children's Hospital of Eastern Ontario
Classification: Uncertain significance for Familial thoracic aortic aneurysm and aortic dissection. Last evaluated: 2022-06-15. Review status: criteria provided, single submitter. Criteria: ACMG Guidelines, 2015. Collection method: clinical testing. Allele origin: germline.

Color Diagnostics, LLC DBA Color Health
Classification: Likely benign for Familial thoracic aortic aneurysm and aortic dissection. Last evaluated: 2019-03-19. Review status: criteria provided, single submitter. Criteria: ACMG Guidelines, 2015. Collection method: clinical testing. Allele origin: germline.

GeneDx
Classification: Likely benign. Last evaluated: 2018-01-17. Review status: criteria provided, single submitter. Criteria: GeneDx Variant Classification (06012015). Collection method: clinical testing. Allele origin: germline. Affected: yes.
Comment: This variant is considered likely benign or benign based on one or more of the following criteria: it is a conservative change, it occurs at a poorly conserved position in the protein, it is predicted to be benign by multiple in silico algorithms, and/or has population frequency not consistent with disease.

PreventionGenetics, part of Exact Sciences
Classification: Likely benign for FBN1-related condition. Last evaluated: 2023-11-29. Review status: no assertion criteria provided. Collection method: clinical testing. Allele origin: germline. Not counted in ClinVar's aggregate classification.
Comment: This variant is classified as likely benign based on ACMG/AMP sequence variant interpretation guidelines (Richards et al. 2015 PMID: 25741868, with internal and published modifications).

NM_000138.5(FBN1):c.1961-7T>C

Gene: FBN1 (fibrillin 1; minus strand). Cytogenetic location: 15q21.1.
Variant type: single nucleotide variant.
Coding change: c.1961-7T>C on transcript NM_000138.5 (MANE Select); 7 bases into the intron before coding-DNA position 1961, T replaced by C.
Molecular consequence: intron variant.
Genome position (GRCh38, 1-based): chr15:48,503,946, A>G on the plus strand (T>C on the coding strand, the complement: FBN1 is on the minus strand). VCF-style: chr15-48503946-A-G. GRCh37 (hg19) VCF-style: chr15-48796143-A-G.
Identifiers: ClinVar variation 237082 (VCV000237082.20), dbSNP rs878853675, ClinGen allele CA10583252.